The following is an entry in ClinVar:

ClinVar aggregate classification (germline): Uncertain significance (1 of 4 stars; one submission).

Conditions:
Genitopatellar syndrome (GTPTS). Also called: ABSENT PATELLAE, SCROTAL HYPOPLASIA, RENAL ANOMALIES, FACIAL DYSMORPHISM, AND MENTAL RETARDATION; Genitopatellar syndrome (GPS). Identifiers: Orphanet 85201, MedGen C1853566, MONDO:0011640, OMIM 606170.

Submission:

Labcorp Genetics (formerly Invitae), Labcorp
Classification: Uncertain significance for Genitopatellar syndrome. Last evaluated: 2024-09-22. Review status: criteria provided, single submitter. Criteria: Invitae Variant Classification Sherloc (09022015). Collection method: clinical testing. Allele origin: germline.
Comment: This sequence change replaces isoleucine, which is neutral and non-polar, with threonine, which is neutral and polar, at codon 1106 of the KAT6B protein (p.Ile1106Thr). This variant is not present in population databases (gnomAD no frequency). This variant has not been reported in the literature in individuals affected with KAT6B-related conditions. Invitae Evidence Modeling of protein sequence and biophysical properties (such as structural, functional, and spatial information, amino acid conservation, physicochemical variation, residue mobility, and thermodynamic stability) indicates that this missense variant is not expected to disrupt KAT6B protein function with a negative predictive value of 80%. In summary, the available evidence is currently insufficient to determine the role of this variant in disease. Therefore, it has been classified as a Variant of Uncertain Significance.

NM_012330.4(KAT6B):c.3317T>C (p.Ile1106Thr)

Gene: KAT6B (lysine acetyltransferase 6B; plus strand). Cytogenetic location: 10q22.2.
Variant type: single nucleotide variant.
Coding change: c.3317T>C on transcript NM_012330.4 (MANE Select); coding-DNA position 3317, T replaced by C.
Protein change: p.Ile1106Thr; replaces isoleucine 1106 with threonine.
Molecular consequence: missense variant.
Genome position (GRCh38, 1-based): chr10:75,022,176, T>C. VCF-style: chr10-75022176-T-C. GRCh37 (hg19) VCF-style: chr10-76781934-T-C.
Other names: c.2768T>C, p.Ile923Thr (NM_001256468.2, NM_001370138.1); c.2441T>C, p.Ile814Thr (NM_001256469.2, NM_001370139.1, NM_001370140.1 and 2 more transcripts); c.2279T>C, p.Ile760Thr (NM_001370132.1); c.1628T>C, p.Ile543Thr (NM_001370133.1); c.1232T>C, p.Ile411Thr (NM_001370134.1); c.974T>C, p.Ile325Thr (NM_001370135.1); c.3317T>C, p.Ile1106Thr (NM_001370136.1, NM_001370137.1); c.2252T>C, p.Ile751Thr (NM_001370143.1, NM_001370144.1); short protein forms I1106T, I543T, I751T, I411T, I814T, I923T, I325T, I760T.
Identifiers: ClinVar variation 3699931 (VCV003699931.2).
Genomic context (GRCh38, chr10:75,022,176, plus strand): 5'-AAGAGGAAGAGGATGAAGAGGAGGAAGAAGAGGAAGAAGAAGAAGAAGAAGAAGAAAATA[T>C]TCAAAGCTCTCCCCCAAGATTGACGAAACCACAGTCAGTTGCCATAAAGAGAAAGGTAGG-3'
Protein context (NP_036462.2, residues 1096-1116): EEEEEEEEEN[Ile1106Thr]QSSPPRLTKP